The following is an entry in ClinVar:

NM_001378964.1(CDON):c.587C>T (p.Pro196Leu)

Gene: CDON (cell adhesion associated, oncogene regulated; minus strand). Cytogenetic location: 11q24.2.
Variant type: single nucleotide variant.
Coding change: c.587C>T on transcript NM_001378964.1 (MANE Select); coding-DNA position 587, C replaced by T.
Protein change: p.Pro196Leu; replaces proline 196 with leucine.
Molecular consequence: missense variant.
Genome position (GRCh38, 1-based): chr11:126,018,383, G>A on the plus strand (C>T on the coding strand, the complement: CDON is on the minus strand). VCF-style: chr11-126018383-G-A. GRCh37 (hg19) VCF-style: chr11-125888278-G-A.
Other names: c.587C>T, p.Pro196Leu (NM_016952.6, NM_001243597.3); short protein forms P196L.
Identifiers: ClinVar variation 3774669 (VCV003774669.1).
Genomic context (GRCh38, chr11:126,018,383, plus strand): 5'-TACTTACGACTCACAAGGAGCTTTCGGCCAATAGGTTCAACTTTTAATTGATGTGTGACA[G>A]GATTATAAGCTGCACATTTGTATGATCCCTTGTCCTCTAAGGATACATTCAAAATCTGAA-3'
Protein context (NP_001365893.1, residues 186-206): KGSYKCAAYN[Pro196Leu]VTHQLKVEPI

ClinVar aggregate classification (germline): Uncertain significance (1 of 4 stars; one submission).

gnomAD v4.1: 1 of 1,613,934 alleles (0.000062%); highest among the groups gnomAD compares: Non-Finnish European, 0.000085%; no homozygotes.

Submission:

GeneDx
Classification: Uncertain significance. Last evaluated: 2024-09-25. Review status: criteria provided, single submitter. Criteria: GeneDx Variant Classification Process June 2021. Collection method: clinical testing. Allele origin: germline. Affected: yes.
Comment: Not observed at significant frequency in large population cohorts (gnomAD); In silico analysis supports that this missense variant has a deleterious effect on protein structure/function; Has not been previously published as pathogenic or benign to our knowledge